The following is an entry in ClinVar:

NM_000093.5(COL5A1):c.1720-1G>A

Gene: COL5A1 (collagen type V alpha 1 chain; plus strand). Cytogenetic location: 9q34.3.
Variant type: single nucleotide variant.
Coding change: c.1720-1G>A on transcript NM_000093.5 (MANE Select); the canonical splice acceptor site of the intron before coding-DNA position 1720, G replaced by A.
Molecular consequence: splice acceptor variant.
Genome position (GRCh38, 1-based): chr9:134,753,849, G>A. VCF-style: chr9-134753849-G-A. GRCh37 (hg19) VCF-style: chr9-137645695-G-A.
Other names: c.1720-1G>A (NM_001278074.1).
Identifiers: ClinVar variation 940066 (VCV000940066.11), dbSNP rs1835880166, ClinGen allele CA375444751.
Genomic context (GRCh38, chr9:134,753,849, plus strand): 5'-CCTTCCTGTGTTCTCGAGTCCCCACCTCGAGCAGACATTAACACACACCATGTCTCCCTA[G>A]GGTCCCCCTGGGAGCGGAGGTTTGAAGGGCGAGCCGGGAGACGTGGGGCCTCAGGTATGT-3'

ClinVar aggregate classification (germline): Likely pathogenic (1 of 4 stars; one submission).

Conditions:
Ehlers-Danlos syndrome, classic type, 1 (EDSCL1). Also called: Ehlers-Danlos syndrome, type 1; EHLERS-DANLOS SYNDROME, GRAVIS TYPE; EHLERS-DANLOS SYNDROME, SEVERE CLASSIC TYPE; EDS I; Ehlers-Danlos Syndrome, Classic Type, COL5A1-Related. Identifiers: MedGen C0268335, MONDO:0019567, OMIM 130000.

Submission:

Labcorp Genetics (formerly Invitae), Labcorp
Classification: Likely pathogenic for Ehlers-Danlos syndrome, classic type, 1. Last evaluated: 2019-07-06. Review status: criteria provided, single submitter. Criteria: Invitae Variant Classification Sherloc (09022015). Collection method: clinical testing. Allele origin: germline.
Comment: This sequence change affects an acceptor splice site in intron 14 of the COL5A1 gene. It is expected to disrupt RNA splicing and likely results in an absent or disrupted protein product. This variant is not present in population databases (ExAC no frequency). Donor and acceptor splice site variants typically lead to a loss of protein function (PMID: 16199547), and loss-of-function variants in COL5A1 are known to be pathogenic (PMID: 23587214). In summary, the currently available evidence indicates that the variant is pathogenic, but additional data are needed to prove that conclusively. Therefore, this variant has been classified as Likely Pathogenic.

Literature cited by the submitters: PubMed 16199547; PubMed 23587214.